The following is an entry in ClinVar:

NM_014112.5(TRPS1):c.890G>A (p.Arg297His)

Gene: TRPS1 (transcriptional repressor GATA binding 1; minus strand). Cytogenetic location: 8q23.3.
Variant type: single nucleotide variant.
Coding change: c.890G>A on transcript NM_014112.5 (MANE Select); coding-DNA position 890, G replaced by A.
Protein change: p.Arg297His; replaces arginine 297 with histidine.
Molecular consequence: missense variant.
Genome position (GRCh38, 1-based): chr8:115,619,208, C>T on the plus strand (G>A on the coding strand, the complement: TRPS1 is on the minus strand). VCF-style: chr8-115619208-C-T. GRCh37 (hg19) VCF-style: chr8-116631435-C-T.
Other names: c.863G>A, p.Arg288His (NM_001282902.3); c.869G>A, p.Arg290His (NM_001282903.3); c.851G>A, p.Arg284His (NM_001330599.2); short protein forms R284H, R288H, R290H, R297H.
Identifiers: ClinVar variation 1492887 (VCV001492887.8), dbSNP rs376460318, ClinGen allele CA4851923.

ClinVar aggregate classification (germline): Uncertain significance (1 of 4 stars; one submission).

Conditions:
Trichorhinophalangeal syndrome, type III (TRPS3). Also called: SUGIO-KAJII SYNDROME. Identifiers: Orphanet 77258, MedGen C1860823, OMIM 190351, MONDO:0008597.
Trichorhinophalangeal dysplasia type I (TRPS1). Also called: TRICHORHINOPHALANGEAL SYNDROME, TYPE I; TRPS I. Identifiers: Orphanet 77258, MedGen C0432233, MONDO:0008596, OMIM 190350.

Allele frequency attached by ClinVar (database versions not stated): gnomAD exomes 0.00001; ExAC 0.00002; gnomAD 0.00002 and 0.00003; TOPMed 0.00003; ESP Exome Variant Server 0.00008.
gnomAD v4.1: 33 of 1,614,000 alleles (0.002%); highest among the groups gnomAD compares: Non-Finnish European, 0.0025%; no homozygotes.

Submission:

Labcorp Genetics (formerly Invitae), Labcorp
Classification: Uncertain significance for Trichorhinophalangeal syndrome, type III; Trichorhinophalangeal dysplasia type I. Last evaluated: 2023-10-03. Review status: criteria provided, single submitter. Criteria: Invitae Variant Classification Sherloc (09022015). Collection method: clinical testing. Allele origin: germline.
Comment: This sequence change replaces arginine, which is basic and polar, with histidine, which is basic and polar, at codon 297 of the TRPS1 protein (p.Arg297His). This variant is present in population databases (rs376460318, gnomAD 0.002%). This variant has not been reported in the literature in individuals affected with TRPS1-related conditions. ClinVar contains an entry for this variant (Variation ID: 1492887). Advanced modeling of protein sequence and biophysical properties (such as structural, functional, and spatial information, amino acid conservation, physicochemical variation, residue mobility, and thermodynamic stability) performed at Invitae indicates that this missense variant is not expected to disrupt TRPS1 protein function. In summary, the available evidence is currently insufficient to determine the role of this variant in disease. Therefore, it has been classified as a Variant of Uncertain Significance.